The following is an entry in ClinVar:

NM_199242.3(UNC13D):c.2955-9T>G

Gene: UNC13D (unc-13 homolog D; minus strand). Cytogenetic location: 17q25.1.
Variant type: single nucleotide variant.
Coding change: c.2955-9T>G on transcript NM_199242.3 (MANE Select); 9 bases into the intron before coding-DNA position 2955, T replaced by G.
Molecular consequence: intron variant.
Genome position (GRCh38, 1-based): chr17:75,828,992, A>C on the plus strand (T>G on the coding strand, the complement: UNC13D is on the minus strand). VCF-style: chr17-75828992-A-C. GRCh37 (hg19) VCF-style: chr17-73825073-A-C.
Other names: c.2955-9T>G (NM_199242.2).
Identifiers: ClinVar variation 2984436 (VCV002984436.5), dbSNP rs1238644319, ClinGen allele CA627596768.

ClinVar aggregate classification (germline): Likely benign. Review status: criteria provided, single submitter (1 of 4 stars). 2 submissions from 2 submitters: Likely benign (1). 1 of the submissions does not count toward it. Last evaluated 2023-04-20.

Conditions:
Familial hemophagocytic lymphohistiocytosis 3 (FHL3). Also called: UNC13D-Related Familial Hemophagocytic Lymphohistiocytosis (UNC13D-fHLH). Identifiers: Orphanet 540, MedGen C1837174, MONDO:0012146, OMIM 608898.
UNC13D-related disorder. Also called: UNC13D-related condition.

Submissions (2):

Labcorp Genetics (formerly Invitae), Labcorp
Classification: Likely benign for Familial hemophagocytic lymphohistiocytosis 3. Last evaluated: 2023-04-20. Review status: criteria provided, single submitter. Criteria: Invitae Variant Classification Sherloc (09022015). Collection method: clinical testing. Allele origin: germline.

PreventionGenetics, part of Exact Sciences
Classification: Likely benign for UNC13D-related condition. Last evaluated: 2021-12-17. Review status: no assertion criteria provided. Collection method: clinical testing. Allele origin: germline. Not counted in ClinVar's aggregate classification.
Comment: This variant is classified as likely benign based on ACMG/AMP sequence variant interpretation guidelines (Richards et al. 2015 PMID: 25741868, with internal and published modifications).